The following is an entry in ClinVar:

ClinVar aggregate classification (germline): Uncertain significance (1 of 4 stars; one submission).

Allele frequency attached by ClinVar (database versions not stated): ExAC 0.00002; gnomAD exomes 0.00001.
gnomAD v4.1: 9 of 1,614,020 alleles (0.00056%); highest among the groups gnomAD compares: South Asian, 0.0099%; no homozygotes.

Submission:

Labcorp Genetics (formerly Invitae), Labcorp
Classification: Uncertain significance. Last evaluated: 2022-03-20. Review status: criteria provided, single submitter. Criteria: Invitae Variant Classification Sherloc (09022015). Collection method: clinical testing. Allele origin: germline.
Comment: In summary, the available evidence is currently insufficient to determine the role of this variant in disease. Therefore, it has been classified as a Variant of Uncertain Significance. Algorithms developed to predict the effect of missense changes on protein structure and function (SIFT, PolyPhen-2, Align-GVGD) all suggest that this variant is likely to be tolerated. This variant has not been reported in the literature in individuals affected with HSPG2-related conditions. This variant is present in population databases (rs748718898, gnomAD 0.02%). This sequence change replaces threonine, which is neutral and polar, with alanine, which is neutral and non-polar, at codon 714 of the HSPG2 protein (p.Thr714Ala).

NM_005529.7(HSPG2):c.2140A>G (p.Thr714Ala)

Gene: HSPG2 (heparan sulfate proteoglycan 2; minus strand). Cytogenetic location: 1p36.12.
Variant type: single nucleotide variant.
Coding change: c.2140A>G on transcript NM_005529.7 (MANE Select); coding-DNA position 2140, A replaced by G.
Protein change: p.Thr714Ala; replaces threonine 714 with alanine.
Molecular consequence: missense variant.
Genome position (GRCh38, 1-based): chr1:21,880,418, T>C on the plus strand (A>G on the coding strand, the complement: HSPG2 is on the minus strand). VCF-style: chr1-21880418-T-C. GRCh37 (hg19) VCF-style: chr1-22206911-T-C.
Other names: c.2143A>G, p.Thr715Ala (NM_001291860.2); short protein forms T714A, T715A.
Identifiers: ClinVar variation 2075249 (VCV002075249.4), dbSNP rs748718898, ClinGen allele CA673179.